The following is an entry in ClinVar:

ClinVar aggregate classification (germline): Benign. Review status: criteria provided, multiple submitters, no conflicts (2 of 4 stars). 4 submissions from 3 submitters: Benign (3). 1 of the submissions does not count toward it. Last evaluated 2026-01-28.

Conditions:
Pseudo-Hurler polydystrophy. Also called: ML IIIA; MUCOLIPIDOSIS IIIA; ML III; ML III ALPHA/BETA; Type III Mucolipidosis; Mucolipidosis III Alpha/Beta. Identifiers: Orphanet 423461, Orphanet 577, MedGen C0033788, MONDO:0018931, OMIM 252600.
Mucolipidosis type II. Also called: Mucolipidosis II Alpha/Beta; ML II ALPHA/BETA; Mucolipidosis 2; ML 2; Inclusion cell disease; Leroy Disease. Identifiers: Orphanet 576, MedGen C2673377, MONDO:0009650, OMIM 252500.

Allele frequency attached by ClinVar (database versions not stated): gnomAD 0.00083 and 0.00116; gnomAD exomes 0.00099 and 0.00252; TOPMed 0.00131; ExAC 0.00249; 1000 Genomes Project 30x 0.00390; 1000 Genomes Project 0.00399.
gnomAD v4.1: 1,633 of 1,613,262 alleles (0.1%); highest among the groups gnomAD compares: East Asian, 3.2%; 22 homozygotes.

Submissions (9):

Labcorp Genetics (formerly Invitae), Labcorp
Classification: Benign for Pseudo-Hurler polydystrophy; Mucolipidosis type II. Last evaluated: 2026-01-28. Review status: criteria provided, single submitter. Criteria: Invitae Variant Classification Sherloc (09022015). Collection method: clinical testing. Allele origin: germline.

Illumina Laboratory Services, Illumina
Classification: Benign for Pseudo-Hurler polydystrophy. Last evaluated: 2018-01-13. Review status: criteria provided, single submitter. Criteria: ICSL Variant Classification Criteria 13 December 2019. Collection method: clinical testing. Allele origin: germline.
Comment: This variant was observed in the ICSL laboratory as part of a predisposition screen in an ostensibly healthy population. It had not been previously curated by ICSL or reported in the Human Gene Mutation Database (HGMD: prior to June 1st, 2018), and was therefore a candidate for classification through an automated scoring system. Utilizing variant allele frequency, disease prevalence and penetrance estimates, and inheritance mode, an automated score was calculated to assess if this variant is too frequent to cause the disease. Based on the score and internal cut-off values, a variant classified as benign is not then subjected to further curation. The score for this variant resulted in a classification of benign for this disease.

Illumina Laboratory Services, Illumina
Classification: Benign for Mucolipidosis type II. Last evaluated: 2018-01-13. Review status: criteria provided, single submitter. Criteria: ICSL Variant Classification Criteria 13 December 2019. Collection method: clinical testing. Allele origin: germline.
Comment: the same text as in the submission from Illumina Laboratory Services, Illumina above.

Natera, Inc.
Classification: Benign for Mucolipidosis type II. Last evaluated: 2020-09-16. Review status: no assertion criteria provided. Collection method: clinical testing. Allele origin: germline. Not counted in ClinVar's aggregate classification.

Dr. Peter K. Rogan Lab, Western University
No classification provided (evidence only). Condition: Uterine corpus endometrial carcinoma. Review status: no classification provided. Collection method: in vitro. Allele origin: not applicable. Functional consequence: retained intron. Not counted in ClinVar's aggregate classification.

Dr. Peter K. Rogan Lab, Western University
No classification provided (evidence only). Condition: Cervical cancer. Review status: no classification provided. Collection method: in vitro. Allele origin: not applicable. Functional consequence: retained intron. Not counted in ClinVar's aggregate classification.

Dr. Peter K. Rogan Lab, Western University
No classification provided (evidence only). Condition: Gastric cancer. Review status: no classification provided. Collection method: in vitro. Allele origin: not applicable. Functional consequence: retained intron. Not counted in ClinVar's aggregate classification.

Dr. Peter K. Rogan Lab, Western University
No classification provided (evidence only). Condition: Gastric cancer. Review status: no classification provided. Collection method: in vitro. Allele origin: not applicable. Functional consequence: retained intron. Not counted in ClinVar's aggregate classification.

Dr. Peter K. Rogan Lab, Western University
No classification provided (evidence only). Condition: Gastric cancer. Review status: no classification provided. Collection method: in vitro. Allele origin: not applicable. Functional consequence: retained intron. Not counted in ClinVar's aggregate classification.

NM_024312.5(GNPTAB):c.2481C>T (p.Gly827=)

Gene: GNPTAB (N-acetylglucosamine-1-phosphate transferase subunits alpha and beta; minus strand). Cytogenetic location: 12q23.2.
Variant type: single nucleotide variant.
Coding change: c.2481C>T on transcript NM_024312.5 (MANE Select); coding-DNA position 2481, C replaced by T.
Protein change: p.Gly827=; no amino-acid change (glycine 827 retained).
Molecular consequence: synonymous variant.
Genome position (GRCh38, 1-based): chr12:101,764,436, G>A on the plus strand (C>T on the coding strand, the complement: GNPTAB is on the minus strand). VCF-style: chr12-101764436-G-A. GRCh37 (hg19) VCF-style: chr12-102158214-G-A.
Identifiers: ClinVar variation 306806 (VCV000306806.17), dbSNP rs3751249, ClinGen allele CA6746426.